The following is an entry in ClinVar:

NM_000321.3(RB1):c.-37C>A

Gene: RB1 (RB transcriptional corepressor 1; plus strand). Cytogenetic location: 13q14.2.
Variant type: single nucleotide variant.
Coding change: c.-37C>A on transcript NM_000321.3 (MANE Select); 37 bases upstream of the start codon, C replaced by A.
Molecular consequence: 5 prime UTR variant.
Genome position (GRCh38, 1-based): chr13:48,303,876, C>A. VCF-style: chr13-48303876-C-A. GRCh37 (hg19) VCF-style: chr13-48878012-C-A.
Other names: c.-37C>A (NM_001407165.1, NM_001407166.1, NM_001407167.1).
Identifiers: ClinVar variation 2918977 (VCV002918977.3), dbSNP rs542151787, ClinGen allele CA037796.

ClinVar aggregate classification (germline): Uncertain significance (1 of 4 stars; one submission).

Conditions:
Retinoblastoma (RB1). Also called: RETINOBLASTOMA, SOMATIC. Identifiers: Orphanet 790, MedGen C0035335, MeSH D012175, MONDO:0008380, OMIM 180200, HP:0009919. Disease mechanism: loss of function. Inheritance: Both sporadic and heritable forms are tested..

Allele frequency attached by ClinVar (database versions not stated): gnomAD exomes 0.00006; 1000 Genomes Project 30x 0.00016; 1000 Genomes Project 0.00060.
gnomAD v4.1: 90 of 1,512,748 alleles (0.0059%); highest among the groups gnomAD compares: Admixed American, 0.01%; no homozygotes.

Submission:

Labcorp Genetics (formerly Invitae), Labcorp
Classification: Uncertain significance for Retinoblastoma. Last evaluated: 2026-01-30. Review status: criteria provided, single submitter. Criteria: Invitae Variant Classification Sherloc (09022015). Collection method: clinical testing. Allele origin: germline.
Comment: This variant occurs in a non-coding region of the RB1 gene. It does not change the encoded amino acid sequence of the RB1 protein. The frequency data for this variant in the population databases is considered unreliable, as metrics indicate poor data quality at this position in the gnomAD database. This variant has not been reported in the literature in individuals affected with RB1-related conditions. ClinVar contains an entry for this variant (Variation ID: 2918977). In summary, the available evidence is currently insufficient to determine the role of this variant in disease. Therefore, it has been classified as a Variant of Uncertain Significance.